The following is an entry in ClinVar:

ClinVar aggregate classification (germline): Uncertain significance (1 of 4 stars; one submission).

Submission:

GeneDx
Classification: Uncertain significance. Last evaluated: 2022-06-30. Review status: criteria provided, single submitter. Criteria: GeneDx Variant Classification Process June 2021. Collection method: clinical testing. Allele origin: germline. Affected: yes.
Comment: Not observed at significant frequency in large population cohorts (gnomAD); Missense variants in this gene are often considered pathogenic (HGMD); In silico analysis supports that this missense variant has a deleterious effect on protein structure/function; Has not been previously published as pathogenic or benign to our knowledge; This substitution is predicted to be within the transmembrane segment S6 of the first homologous domain

NM_001040142.2(SCN2A):c.1209A>G (p.Ile403Met)

Gene: SCN2A (sodium voltage-gated channel alpha subunit 2; plus strand). Cytogenetic location: 2q24.3.
Variant type: single nucleotide variant.
Coding change: c.1209A>G on transcript NM_001040142.2 (MANE Select); coding-DNA position 1209, A replaced by G.
Protein change: p.Ile403Met; replaces isoleucine 403 with methionine.
Molecular consequence: missense variant.
Genome position (GRCh38, 1-based): chr2:165,313,934, A>G. VCF-style: chr2-165313934-A-G. GRCh37 (hg19) VCF-style: chr2-166170444-A-G.
Other names: c.1209A>G, p.Ile403Met (NM_001040143.2, NM_001371246.1, NM_001371247.1 and 1 more transcripts); short protein forms I403M.
Identifiers: ClinVar variation 1809822 (VCV001809822.1), dbSNP rs2467902518, ClinGen allele CA349022116.